The following is an entry in ClinVar:

NM_000365.6(TPI1):c.613A>T (p.Thr205Ser)

Gene: TPI1 (triosephosphate isomerase 1; plus strand). Cytogenetic location: 12p13.31.
Variant type: single nucleotide variant.
Coding change: c.613A>T on transcript NM_000365.6 (MANE Select); coding-DNA position 613, A replaced by T.
Protein change: p.Thr205Ser; replaces threonine 205 with serine.
Molecular consequence: missense variant.
Genome position (GRCh38, 1-based): chr12:6,870,118, A>T. VCF-style: chr12-6870118-A-T. GRCh37 (hg19) VCF-style: chr12-6979282-A-T.
Other names: c.724A>T, p.Thr242Ser (NM_001159287.1); c.367A>T, p.Thr123Ser (NM_001258026.2); c.613A>T (NM_000365.5); short protein forms T205S, T123S, T242S.
Identifiers: ClinVar variation 1514789 (VCV001514789.8), dbSNP rs782482721, ClinGen allele CA6419005.

ClinVar aggregate classification (germline): Uncertain significance. Review status: criteria provided, multiple submitters, no conflicts (2 of 4 stars). 2 submissions from 2 submitters: Uncertain significance (2). Last evaluated 2023-08-17.

Conditions:
Inborn genetic diseases. Identifiers: MedGen C0950123, MeSH D030342.

Allele frequency attached by ClinVar (database versions not stated): gnomAD 0.00001; TOPMed 0.00001; ExAC 0.00002; gnomAD exomes 0.00002 and 0.00004.
gnomAD v4.1: 60 of 1,613,926 alleles (0.0037%); highest among the groups gnomAD compares: Non-Finnish European, 0.0048%; no homozygotes.

Submissions (2):

Labcorp Genetics (formerly Invitae), Labcorp
Classification: Uncertain significance. Last evaluated: 2023-08-17. Review status: criteria provided, single submitter. Criteria: Invitae Variant Classification Sherloc (09022015). Collection method: clinical testing. Allele origin: germline.
Comment: This variant has not been reported in the literature in individuals affected with TPI1-related conditions. This variant is present in population databases (rs782482721, gnomAD 0.004%). This sequence change replaces threonine, which is neutral and polar, with serine, which is neutral and polar, at codon 205 of the TPI1 protein (p.Thr205Ser). ClinVar contains an entry for this variant (Variation ID: 1514789). In summary, the available evidence is currently insufficient to determine the role of this variant in disease. Therefore, it has been classified as a Variant of Uncertain Significance. An algorithm developed to predict the effect of missense changes on protein structure and function (PolyPhen-2) suggests that this variant¬†is likely to be tolerated.

Ambry Genetics
Classification: Uncertain significance for Inborn genetic diseases. Last evaluated: 2023-02-27. Review status: criteria provided, single submitter. Criteria: Ambry Variant Classification Scheme 2023. Collection method: clinical testing. Allele origin: germline.